The following is an entry in ClinVar:

ClinVar aggregate classification (germline): Uncertain significance. Review status: criteria provided, multiple submitters, no conflicts (2 of 4 stars). 3 submissions from 3 submitters: Uncertain significance (2). 1 of the submissions does not count toward it. Last evaluated 2024-07-31.

Conditions:
Cystic fibrosis (CF). Also called: MUCOVISCIDOSIS. Identifiers: Orphanet 586, MedGen C0010674, MONDO:0009061, OMIM 219700. Disease mechanism: loss of function.

Allele frequency attached by ClinVar (database versions not stated): TOPMed below 0.00001; gnomAD exomes 0.00001.
gnomAD v4.1: 13 of 1,605,532 alleles (0.00081%); highest among the groups gnomAD compares: Non-Finnish European, 0.001%; no homozygotes.

Submissions (3):

Ambry Genetics
Classification: Uncertain significance for Cystic fibrosis. Last evaluated: 2024-07-31. Review status: criteria provided, single submitter. Criteria: Ambry Variant Classification Scheme 2023. Collection method: clinical testing. Allele origin: germline.
Comment: The p.I177T variant (also known as c.530T>C), located in coding exon 5 of the CFTR gene, results from a T to C substitution at nucleotide position 530. The isoleucine at codon 177 is replaced by threonine, an amino acid with similar properties. This amino acid position is not well conserved in available vertebrate species, and threonine is the reference amino acid in other vertebrate species. In addition, the in silico prediction for this alteration is inconclusive. Based on the available evidence, the clinical significance of this variant remains unclear.

Women's Health and Genetics/Laboratory Corporation of America, LabCorp
Classification: Uncertain significance. Last evaluated: 2023-05-04. Review status: criteria provided, single submitter. Criteria: LabCorp Variant Classification Summary - May 2015. Collection method: clinical testing. Allele origin: germline.
Comment: Variant summary: CFTR c.530T>C (p.Ile177Thr) results in a non-conservative amino acid change located in the ABC transporter type 1, transmembrane domain (IPR011527) of the encoded protein sequence. Three of five in-silico tools predict a benign effect of the variant on protein function. The variant allele was found at a frequency of 8e-06 in 250702 control chromosomes. The available data on variant occurrences in the general population are insufficient to allow any conclusion about variant significance. c.530T>C has been reported in the literature in at least one heterozygous individual with meconium ileus and pancreatic insufficiency, with no second allele reported and without evidence for causality (e.g., Bienvenu_1996 (Cystic Fibrosis Mutation Database), Chen_2001, Ramalho_2015). These reports do not provide unequivocal conclusions about association of the variant with Cystic Fibrosis. To our knowledge, no experimental evidence demonstrating an impact on protein function has been reported. The following publications have been ascertained in the context of this evaluation (PMID: 11504857, 25735457). Two clinical diagnostic laboratories have submitted clinical-significance assessments for this variant to ClinVar after 2014, and both laboratories classified the variant as uncertain significance. Based on the evidence outlined above, the variant was classified as uncertain significance.

Counsyl
Classification: Uncertain significance for Cystic fibrosis. Last evaluated: 2018-03-13. Review status: no assertion criteria provided. Collection method: clinical testing. Allele origin: unknown. Not counted in ClinVar's aggregate classification.

Literature cited by the submitters: PubMed 11504857 (cited by Women's Health and Genetics/Laboratory Corporation of America, LabCorp); PubMed 25735457 (cited by Women's Health and Genetics/Laboratory Corporation of America, LabCorp).

NM_000492.4(CFTR):c.530T>C (p.Ile177Thr)

Gene: CFTR (CF transmembrane conductance regulator; plus strand). Cytogenetic location: 7q31.2.
Variant type: single nucleotide variant.
Coding change: c.530T>C on transcript NM_000492.4 (MANE Select); coding-DNA position 530, T replaced by C.
Protein change: p.Ile177Thr; replaces isoleucine 177 with threonine.
Molecular consequence: missense variant.
Genome position (GRCh38, 1-based): chr7:117,534,316, T>C. VCF-style: chr7-117534316-T-C. GRCh37 (hg19) VCF-style: chr7-117174370-T-C.
Other names: short protein forms I177T.
Identifiers: ClinVar variation 53990 (VCV000053990.6), dbSNP rs397508747, ClinGen allele CA327552.